The following is an entry in ClinVar:

ClinVar aggregate classification (germline): Uncertain significance (1 of 4 stars; one submission).

Allele frequency attached by ClinVar (database versions not stated): gnomAD exomes 0.00001; TOPMed 0.00003; gnomAD 0.00005.

Submission:

Labcorp Genetics (formerly Invitae), Labcorp
Classification: Uncertain significance. Last evaluated: 2022-05-13. Review status: criteria provided, single submitter. Criteria: Invitae Variant Classification Sherloc (09022015). Collection method: clinical testing. Allele origin: germline.
Comment: This sequence change replaces valine, which is neutral and non-polar, with methionine, which is neutral and non-polar, at codon 355 of the SLC6A19 protein (p.Val355Met). In summary, the available evidence is currently insufficient to determine the role of this variant in disease. Therefore, it has been classified as a Variant of Uncertain Significance. Advanced modeling of protein sequence and biophysical properties (such as structural, functional, and spatial information, amino acid conservation, physicochemical variation, residue mobility, and thermodynamic stability) performed at Invitae indicates that this missense variant is not expected to disrupt SLC6A19 protein function. This variant has not been reported in the literature in individuals affected with SLC6A19-related conditions. This variant is present in population databases (no rsID available, gnomAD 0.004%).

NM_001003841.3(SLC6A19):c.1063G>A (p.Val355Met)

Gene: SLC6A19 (solute carrier family 6 member 19; plus strand). Cytogenetic location: 5p15.33.
Variant type: single nucleotide variant.
Coding change: c.1063G>A on transcript NM_001003841.3 (MANE Select); coding-DNA position 1063, G replaced by A.
Protein change: p.Val355Met; replaces valine 355 with methionine.
Molecular consequence: missense variant.
Genome position (GRCh38, 1-based): chr5:1,216,835, G>A. VCF-style: chr5-1216835-G-A. GRCh37 (hg19) VCF-style: chr5-1216950-G-A.
Other names: short protein forms V355M.
Identifiers: ClinVar variation 1930471 (VCV001930471.5), dbSNP rs1367901622, ClinGen allele CA359071091.
Genomic context (GRCh38, chr5:1,216,835, plus strand): 5'-AATCTGACCCGCAGGAACATCCTGACCCTCATCAACGGGTTCGACCTGCCTGAAGGCAAC[G>A]TGACCCAGGAGAACTTTGTGGACATGCAGCAGCGGTGCAACGCCTCCGACCCCGCGGCCT-3'
Protein context (NP_001003841.1, residues 345-365): INGFDLPEGN[Val355Met]TQENFVDMQQ